The following is an entry in ClinVar:

ClinVar aggregate classification (germline): Pathogenic (1 of 4 stars; one submission).

Conditions:
Familial adenomatous polyposis 1 (FAP1). Also called: FAMILIAL ADENOMATOUS POLYPOSIS 1, ATTENUATED; POLYPOSIS, ADENOMATOUS INTESTINAL. Identifiers: MedGen C2713442, MONDO:0021056, OMIM 175100. Disease mechanism: loss of function.

Submission:

Labcorp Genetics (formerly Invitae), Labcorp
Classification: Pathogenic for Familial adenomatous polyposis 1. Last evaluated: 2015-10-26. Review status: criteria provided, single submitter. Criteria: Invitae Variant Classification Sherloc (09022015). Collection method: clinical testing. Allele origin: germline.
Comment: This variant is a gross deletion of the genomic region encompassing exon 5 of the APC gene. This creates a premature translational stop signal and is expected to result in an absent or disrupted protein product. While this particular variant has not been reported in the literature, truncating variants in APC are known to be pathogenic (PMID: 20685668, 17963004). For these reasons, this variant has been classified as Pathogenic.

NM_000038.5(APC):c.423-?_531+?del (p.(?))

Gene: APC (APC regulator of Wnt signaling pathway; plus strand).
Variant type: Deletion.
Identifiers: ClinVar variation 217980 (VCV000217980.1).